The following is an entry in ClinVar:

ClinVar aggregate classification (germline): Uncertain significance (0 of 4 stars; one submission).

Conditions:
AHDC1-related disorder. Also called: AHDC1-related condition.

Allele frequency attached by ClinVar (database versions not stated): gnomAD exomes below 0.00001.
gnomAD v4.1: 1 of 1,611,330 alleles (0.000062%); highest among the groups gnomAD compares: African/African-American, 0.0013%; no homozygotes.

Submission:

PreventionGenetics, part of Exact Sciences
Classification: Uncertain significance for AHDC1-related condition. Last evaluated: 2024-02-29. Review status: no assertion criteria provided. Collection method: clinical testing. Allele origin: germline.
Comment: The AHDC1 c.658G>A variant is predicted to result in the amino acid substitution p.Ala220Thr. To our knowledge, this variant has not been reported in the literature or in a large population database, indicating this variant is rare. At this time, the clinical significance of this variant is uncertain due to the absence of conclusive functional and genetic evidence.

NM_001371928.1(AHDC1):c.658G>A (p.Ala220Thr)

Gene: AHDC1 (AT-hook DNA binding motif containing 1; minus strand). Cytogenetic location: 1p36.11.
Variant type: single nucleotide variant.
Coding change: c.658G>A on transcript NM_001371928.1 (MANE Select); coding-DNA position 658, G replaced by A.
Protein change: p.Ala220Thr; replaces alanine 220 with threonine.
Molecular consequence: missense variant.
Genome position (GRCh38, 1-based): chr1:27,551,458, C>T on the plus strand (G>A on the coding strand, the complement: AHDC1 is on the minus strand). VCF-style: chr1-27551458-C-T. GRCh37 (hg19) VCF-style: chr1-27877969-C-T.
Other names: c.658G>A, p.Ala220Thr (NM_001029882.3); short protein forms A220T.
Identifiers: ClinVar variation 3061142 (VCV003061142.2), dbSNP rs1364131053, ClinGen allele CA339236589.